The following is an entry in ClinVar:

NM_080680.3(COL11A2):c.2626A>G (p.Arg876Gly)

Gene: COL11A2 (collagen type XI alpha 2 chain; minus strand). Cytogenetic location: 6p21.32.
Variant type: single nucleotide variant.
Coding change: c.2626A>G on transcript NM_080680.3 (MANE Select); coding-DNA position 2626, A replaced by G.
Protein change: p.Arg876Gly; replaces arginine 876 with glycine.
Molecular consequence: missense variant.
Genome position (GRCh38, 1-based): chr6:33,173,703, T>C on the plus strand (A>G on the coding strand, the complement: COL11A2 is on the minus strand). VCF-style: chr6-33173703-T-C. GRCh37 (hg19) VCF-style: chr6-33141480-T-C.
Other names: c.2446A>G, p.Arg816Gly (NM_001424108.1); c.1780A>G, p.Arg594Gly (NM_001424109.1); c.1600A>G, p.Arg534Gly (NM_001424110.1, NM_001424111.1); c.580A>G, p.Arg194Gly (NM_001424112.1); c.2305A>G, p.Arg769Gly (NM_080679.3); c.2368A>G, p.Arg790Gly (NM_080681.3); short protein forms R816G, R594G, R790G, R194G, R534G, R769G, R876G.
Identifiers: ClinVar variation 4703949 (VCV004703949.1).
Genomic context (GRCh38, chr6:33,173,703, plus strand): 5'-TGGCTCACCCAGGCTCCCTGGGGACCTCAGGGGAAGGGGACTTTCGATCCACACTCACCC[T>C]CTCTCCAGGGGGCCCATGGGGGCCATCACCACCAGATGTTCCCTGTGGGGGGAAACAGAG-3'
Protein context (NP_542411.2, residues 866-886): GDGPHGPPGE[Arg876Gly]GLPGPQGPNG

ClinVar aggregate classification (germline): Uncertain significance (1 of 4 stars; one submission).

gnomAD v4.1: 1 of 1,569,436 alleles (0.000064%); highest among the groups gnomAD compares: Admixed American, 0.0018%; no homozygotes.

Submission:

Labcorp Genetics (formerly Invitae), Labcorp
Classification: Uncertain significance. Last evaluated: 2026-01-12. Review status: criteria provided, single submitter. Criteria: Invitae Variant Classification Sherloc (09022015). Collection method: clinical testing. Allele origin: germline.
Comment: This sequence change replaces arginine, which is basic and polar, with glycine, which is neutral and non-polar, at codon 876 of the COL11A2 protein (p.Arg876Gly). This variant is not present in population databases (gnomAD no frequency). This variant has not been reported in the literature in individuals affected with COL11A2-related conditions. An algorithm developed to predict the effect of missense changes on protein structure and function (PolyPhen-2) suggests that this variant is likely to be disruptive. In summary, the available evidence is currently insufficient to determine the role of this variant in disease. Therefore, it has been classified as a Variant of Uncertain Significance.